The following is an entry in ClinVar:

ClinVar aggregate classification (germline): Uncertain significance (1 of 4 stars; one submission).

Allele frequency attached by ClinVar (database versions not stated): gnomAD exomes below 0.00001 and 0.00002; TOPMed below 0.00001; ExAC 0.00002.
gnomAD v4.1: 5 of 1,614,034 alleles (0.00031%); highest among the groups gnomAD compares: Admixed American, 0.005%; no homozygotes.

Submission:

Labcorp Genetics (formerly Invitae), Labcorp
Classification: Uncertain significance. Last evaluated: 2023-11-18. Review status: criteria provided, single submitter. Criteria: Invitae Variant Classification Sherloc (09022015). Collection method: clinical testing. Allele origin: germline.
Comment: This sequence change replaces glutamic acid, which is acidic and polar, with lysine, which is basic and polar, at codon 1526 of the FN1 protein (p.Glu1526Lys). This variant is present in population databases (rs762667601, gnomAD 0.009%). This variant has not been reported in the literature in individuals affected with FN1-related conditions. ClinVar contains an entry for this variant (Variation ID: 1464694). An algorithm developed to predict the effect of missense changes on protein structure and function (PolyPhen-2) suggests that this variant is likely to be disruptive. In summary, the available evidence is currently insufficient to determine the role of this variant in disease. Therefore, it has been classified as a Variant of Uncertain Significance.

NM_212482.4(FN1):c.4576G>A (p.Glu1526Lys)

Gene: FN1 (fibronectin 1; minus strand). Cytogenetic location: 2q35.
Variant type: single nucleotide variant.
Coding change: c.4576G>A on transcript NM_212482.4 (MANE Select); coding-DNA position 4576, G replaced by A.
Protein change: p.Glu1526Lys; replaces glutamic acid 1526 with lysine.
Molecular consequence: missense variant.
Genome position (GRCh38, 1-based): chr2:215,386,725, C>T on the plus strand (G>A on the coding strand, the complement: FN1 is on the minus strand). VCF-style: chr2-215386725-C-T. GRCh37 (hg19) VCF-style: chr2-216251448-C-T.
Other names: c.4576G>A, p.Glu1526Lys (NM_001306129.2, NM_001306130.2, NM_001365517.2 and 3 more transcripts); c.4303G>A, p.Glu1435Lys (NM_001306131.2, NM_001306132.2, NM_001365518.2 and 7 more transcripts); short protein forms E1435K, E1526K.
Identifiers: ClinVar variation 1464694 (VCV001464694.6), dbSNP rs762667601, ClinGen allele CA2094399.